The following is an entry in ClinVar:

NM_003611.3(OFD1):c.1943C>T (p.Ala648Val)

Gene: OFD1 (OFD1 centriole and centriolar satellite protein; plus strand). Cytogenetic location: Xp22.2.
Variant type: single nucleotide variant.
Coding change: c.1943C>T on transcript NM_003611.3 (MANE Select); coding-DNA position 1943, C replaced by T.
Protein change: p.Ala648Val; replaces alanine 648 with valine.
Molecular consequence: missense variant.
Genome position (GRCh38, 1-based): chrX:13,760,403, C>T. VCF-style: chrX-13760403-C-T. GRCh37 (hg19) VCF-style: chrX-13778522-C-T.
Other names: c.1823C>T, p.Ala608Val (NM_001330209.2); c.1523C>T, p.Ala508Val (NM_001330210.2); short protein forms A608V, A648V, A508V.
Identifiers: ClinVar variation 2010231 (VCV002010231.4), dbSNP rs745396689, ClinGen allele CA10351909.

ClinVar aggregate classification (germline): Uncertain significance (1 of 4 stars; one submission).

Conditions:
Joubert syndrome. Also called: CEREBELLOPARENCHYMAL DISORDER IV; JOUBERT-BOLTSHAUSER SYNDROME; Familial aplasia of the vermis. Identifiers: Orphanet 475, MedGen C5979921, MONDO:0018772.
Orofaciodigital syndrome I (OFD1). Also called: OFDS I; Papillon-Leage and Psaume Syndrome; Oral-Facial-Digital Syndrome Type I. Identifiers: Orphanet 2750, MedGen C1510460, MONDO:0010702, OMIM 311200.

Allele frequency attached by ClinVar (database versions not stated): gnomAD exomes below 0.00001; ExAC 0.00001.
gnomAD v4.1: 1 of 1,206,304 alleles (0.000083%); no homozygotes.

Submission:

Labcorp Genetics (formerly Invitae), Labcorp
Classification: Uncertain significance for Orofaciodigital syndrome I; Joubert syndrome. Last evaluated: 2022-06-24. Review status: criteria provided, single submitter. Criteria: Invitae Variant Classification Sherloc (09022015). Collection method: clinical testing. Allele origin: germline.
Comment: Algorithms developed to predict the effect of missense changes on protein structure and function are either unavailable or do not agree on the potential impact of this missense change (SIFT: "Deleterious"; PolyPhen-2: "Possibly Damaging"; Align-GVGD: "Class C0"). This variant has not been reported in the literature in individuals affected with OFD1-related conditions. This variant is present in population databases (rs745396689, gnomAD 0.01%). This sequence change replaces alanine, which is neutral and non-polar, with valine, which is neutral and non-polar, at codon 648 of the OFD1 protein (p.Ala648Val). In summary, the available evidence is currently insufficient to determine the role of this variant in disease. Therefore, it has been classified as a Variant of Uncertain Significance.